The following is an entry in ClinVar:

ClinVar aggregate classification (germline): Uncertain significance. Review status: criteria provided, multiple submitters, no conflicts (2 of 4 stars). 3 submissions from 3 submitters: Uncertain significance (3). Last evaluated 2026-07-01.

Conditions:
Hereditary cancer-predisposing syndrome. Also called: Hereditary Cancer Syndrome; Neoplastic Syndromes, Hereditary; Hereditary neoplastic syndrome; Tumor predisposition. Identifiers: Orphanet 140162, MedGen C0027672, MeSH D009386, MONDO:0015356.
Mitochondrial complex II deficiency, nuclear type 1. Also called: SUCCINATE CoQ REDUCTASE DEFICIENCY. Identifiers: Orphanet 3208, MedGen C5700310, MONDO:0100294, OMIM 252011.
Pheochromocytoma/paraganglioma syndrome 5. Also called: Paragangliomas 5; SDHA-Related Hereditary Paraganglioma-Pheochromocytoma Syndrome. Identifiers: Orphanet 29072, MedGen C3279992, MONDO:0013602, OMIM 614165.
Dilated cardiomyopathy 1GG (CMD1GG). Identifiers: Orphanet 154, MedGen C3150898, MONDO:0013339, OMIM 613642.
Neurodegeneration with ataxia and late-onset optic atrophy. Identifiers: MedGen C5543254, MONDO:0031006, OMIM 619259.

Allele frequency attached by ClinVar (database versions not stated): ExAC 0.00001; gnomAD 0.00001.

Submissions (3):

Ambry Genetics
Classification: Uncertain significance for Hereditary cancer-predisposing syndrome. Last evaluated: 2026-07-01. Review status: criteria provided, single submitter. Criteria: Ambry Variant Classification Scheme 2023. Collection method: clinical testing. Allele origin: germline.
Comment: The p.N495D variant (also known as c.1483A>G), located in coding exon 11 of the SDHA gene, results from an A to G substitution at nucleotide position 1483. The asparagine at codon 495 is replaced by aspartic acid, an amino acid with highly similar properties. This amino acid position is conserved. In addition, the in silico prediction for this alteration is inconclusive. Based on the available evidence, the clinical significance of this variant remains unclear.

Labcorp Genetics (formerly Invitae), Labcorp
Classification: Uncertain significance for Pheochromocytoma/paraganglioma syndrome 5; Mitochondrial complex II deficiency, nuclear type 1. Last evaluated: 2024-10-21. Review status: criteria provided, single submitter. Criteria: Invitae Variant Classification Sherloc (09022015). Collection method: clinical testing. Allele origin: germline.
Comment: This sequence change replaces asparagine, which is neutral and polar, with aspartic acid, which is acidic and polar, at codon 495 of the SDHA protein (p.Asn495Asp). This variant is present in population databases (rs757663708, gnomAD 0.007%). This variant has not been reported in the literature in individuals affected with SDHA-related conditions. ClinVar contains an entry for this variant (Variation ID: 1427211). Invitae Evidence Modeling of protein sequence and biophysical properties (such as structural, functional, and spatial information, amino acid conservation, physicochemical variation, residue mobility, and thermodynamic stability) indicates that this missense variant is not expected to disrupt SDHA protein function with a negative predictive value of 95%. In summary, the available evidence is currently insufficient to determine the role of this variant in disease. Therefore, it has been classified as a Variant of Uncertain Significance.

Fulgent Genetics
Classification: Uncertain significance for Mitochondrial complex II deficiency, nuclear type 1; Dilated cardiomyopathy 1GG; Pheochromocytoma/paraganglioma syndrome 5; Neurodegeneration with ataxia and late-onset optic atrophy. Last evaluated: 2021-10-04. Review status: criteria provided, single submitter. Criteria: ACMG Guidelines, 2015. Collection method: clinical testing. Allele origin: unknown.

NM_004168.4(SDHA):c.1483A>G (p.Asn495Asp)

Gene: SDHA (succinate dehydrogenase complex flavoprotein subunit A; plus strand). Cytogenetic location: 5p15.33.
Variant type: single nucleotide variant.
Coding change: c.1483A>G on transcript NM_004168.4 (MANE Select); coding-DNA position 1483, A replaced by G.
Protein change: p.Asn495Asp; replaces asparagine 495 with aspartic acid.
Molecular consequence: missense variant.
Genome position (GRCh38, 1-based): chr5:240,408, A>G. VCF-style: chr5-240408-A-G. GRCh37 (hg19) VCF-style: chr5-240523-A-G.
Other names: c.1339A>G, p.Asn447Asp (NM_001294332.2); c.1483A>G, p.Asn495Asp (NM_001330758.2); c.1483A>G (NM_004168.2); short protein forms N447D, N495D.
Identifiers: ClinVar variation 1427211 (VCV001427211.10), dbSNP rs757663708, ClinGen allele CA3173262.
Genomic context (GRCh38, chr5:240,408, plus strand): 5'-TTTGTTTTAGGAGATAAAGTCCCTCCAATTAAACCAAACGCTGGGGAAGAATCTGTCATG[A>G]ATCTTGACAAATTGAGATTTGCTGATGGAAGCATAAGAACATCGGAACTGCGACTCAGCA-3'
Protein context (NP_004159.2, residues 485-505): KPNAGEESVM[Asn495Asp]LDKLRFADGS